The following is an entry in ClinVar:

ClinVar aggregate classification (germline): Uncertain significance (1 of 4 stars; one submission).

Conditions:
Primary ciliary dyskinesia. Also called: Ciliary dyskinesia. Identifiers: Orphanet 244, MedGen C0008780, MONDO:0016575, HP:0012265.

Submission:

Labcorp Genetics (formerly Invitae), Labcorp
Classification: Uncertain significance for Primary ciliary dyskinesia. Last evaluated: 2024-09-01. Review status: criteria provided, single submitter. Criteria: Invitae Variant Classification Sherloc (09022015). Collection method: clinical testing. Allele origin: germline.
Comment: This sequence change falls in intron 70 of the DNAH5 gene. It does not directly change the encoded amino acid sequence of the DNAH5 protein. It affects a nucleotide within the consensus splice site. This variant is not present in population databases (gnomAD no frequency). This variant has not been reported in the literature in individuals affected with DNAH5-related conditions. Variants that disrupt the consensus splice site are a relatively common cause of aberrant splicing (PMID: 17576681, 9536098). Algorithms developed to predict the effect of sequence changes on RNA splicing suggest that this variant is not likely to affect RNA splicing. In summary, the available evidence is currently insufficient to determine the role of this variant in disease. Therefore, it has been classified as a Variant of Uncertain Significance.

Literature cited by the submitters: PubMed 17576681; PubMed 9536098.

NM_001369.3(DNAH5):c.12033+5A>T

Gene: DNAH5 (dynein axonemal heavy chain 5; minus strand). Cytogenetic location: 5p15.2.
Variant type: single nucleotide variant.
Coding change: c.12033+5A>T on transcript NM_001369.3 (MANE Select); 5 bases into the intron after coding-DNA position 12033, A replaced by T.
Molecular consequence: intron variant.
Genome position (GRCh38, 1-based): chr5:13,727,502, T>A on the plus strand (A>T on the coding strand, the complement: DNAH5 is on the minus strand). VCF-style: chr5-13727502-T-A. GRCh37 (hg19) VCF-style: chr5-13727611-T-A.
Identifiers: ClinVar variation 3616485 (VCV003616485.2).
Genomic context (GRCh38, chr5:13,727,502, plus strand): 5'-TAATTTAAAAGAAAATTCTCTTTAAAAATATTCTCTCATTTTTCTCTTTAATATGGACTT[T>A]TTACCTGGGCGATGGTTCTGTCAGGACACCAGGATCTAATAAGGAGAAGACGTCTGAAGC-3'